The following is an entry in ClinVar:

NM_000535.7(PMS2):c.1147A>G (p.Asn383Asp)

Gene: PMS2 (PMS1 homolog 2, mismatch repair system component; minus strand). Cytogenetic location: 7p22.1.
Variant type: single nucleotide variant.
Coding change: c.1147A>G on transcript NM_000535.7 (MANE Select); coding-DNA position 1147, A replaced by G.
Protein change: p.Asn383Asp; replaces asparagine 383 with aspartic acid.
Molecular consequence: missense variant. On other transcripts: non-coding transcript variant (1).
Genome position (GRCh38, 1-based): chr7:5,987,618, T>C on the plus strand (A>G on the coding strand, the complement: PMS2 is on the minus strand). VCF-style: chr7-5987618-T-C. GRCh37 (hg19) VCF-style: chr7-6027249-T-C.
Other names: c.742A>G, p.Asn248Asp (NM_001322003.2, NM_001322004.2, NM_001322005.2 and 1 more transcripts); c.991A>G, p.Asn331Asp (NM_001322006.2); c.829A>G, p.Asn277Asp (NM_001322007.2, NM_001322008.2); c.586A>G, p.Asn196Asp (NM_001322010.2); c.214A>G, p.Asn72Asp (NM_001322011.2, NM_001322012.2); c.574A>G, p.Asn192Asp (NM_001322013.2); c.1147A>G, p.Asn383Asp (NM_001322014.2); c.838A>G, p.Asn280Asp (NM_001322015.2); short protein forms N196D, N277D, N248D, N280D, N331D, N72D, N383D, N192D.
Identifiers: ClinVar variation 656949 (VCV000656949.13), dbSNP rs1583324090, ClinGen allele CA366742702.

ClinVar aggregate classification (germline): Uncertain significance. Review status: criteria provided, multiple submitters, no conflicts (2 of 4 stars). 2 submissions from 2 submitters: Uncertain significance (2). Last evaluated 2019-09-14.

Conditions:
Hereditary nonpolyposis colorectal neoplasms. Identifiers: MedGen C0009405, MeSH D003123.
Hereditary cancer-predisposing syndrome. Also called: Hereditary neoplastic syndrome; Tumor predisposition; Neoplastic Syndromes, Hereditary; Hereditary Cancer Syndrome. Identifiers: Orphanet 140162, MedGen C0027672, MeSH D009386, MONDO:0015356.

Submissions (2):

Ambry Genetics
Classification: Uncertain significance for Hereditary cancer-predisposing syndrome. Last evaluated: 2019-09-14. Review status: criteria provided, single submitter. Criteria: Ambry Variant Classification Scheme 2023. Collection method: clinical testing. Allele origin: germline.
Comment: The p.N383D variant (also known as c.1147A>G), located in coding exon 11 of the PMS2 gene, results from an A to G substitution at nucleotide position 1147. The asparagine at codon 383 is replaced by aspartic acid, an amino acid with highly similar properties. This amino acid position is not well conserved in available vertebrate species. In addition, this alteration is predicted to be tolerated by in silico analysis. Since supporting evidence is limited at this time, the clinical significance of this alteration remains unclear.

Labcorp Genetics (formerly Invitae), Labcorp
Classification: Uncertain significance for Hereditary nonpolyposis colorectal neoplasms. Last evaluated: 2018-12-30. Review status: criteria provided, single submitter. Criteria: Invitae Variant Classification Sherloc (09022015). Collection method: clinical testing. Allele origin: germline.
Comment: This sequence change replaces asparagine with aspartic acid at codon 383 of the PMS2 protein (p.Asn383Asp). The asparagine residue is weakly conserved and there is a small physicochemical difference between asparagine and aspartic acid. This variant is not present in population databases (ExAC no frequency). This variant has not been reported in the literature in individuals with PMS2-related conditions. Algorithms developed to predict the effect of missense changes on protein structure and function (SIFT, PolyPhen-2, Align-GVGD) all suggest that this variant is likely to be tolerated, but these predictions have not been confirmed by published functional studies and their clinical significance is uncertain. In summary, the available evidence is currently insufficient to determine the role of this variant in disease. Therefore, it has been classified as a Variant of Uncertain Significance.